The following is an entry in ClinVar:

NM_024577.4(SH3TC2):c.1862G>A (p.Arg621His)

Gene: SH3TC2 (SH3 domain and tetratricopeptide repeats 2; minus strand). Cytogenetic location: 5q32.
Variant type: single nucleotide variant.
Coding change: c.1862G>A on transcript NM_024577.4 (MANE Select); coding-DNA position 1862, G replaced by A.
Protein change: p.Arg621His; replaces arginine 621 with histidine.
Molecular consequence: missense variant.
Genome position (GRCh38, 1-based): chr5:149,027,870, C>T on the plus strand (G>A on the coding strand, the complement: SH3TC2 is on the minus strand). VCF-style: chr5-149027870-C-T. GRCh37 (hg19) VCF-style: chr5-148407433-C-T.
Other names: short protein forms R621H.
Identifiers: ClinVar variation 193930 (VCV000193930.60), dbSNP rs143032801, ClinGen allele CA239663.

ClinVar aggregate classification (germline): Conflicting classifications of pathogenicity. Review status: criteria provided, conflicting classifications (1 of 4 stars). 12 submissions from 11 submitters: Uncertain significance (5); Likely benign (6). 1 of the submissions does not count toward it. Last evaluated 2026-09-01.

Conditions:
SH3TC2-related disorder. Also called: SH3TC2-related condition; SH3TC2-related disorders. Identifiers: MedGen CN239303.
Inborn genetic diseases. Identifiers: MedGen C0950123, MeSH D030342.
Charcot-Marie-Tooth disease. Also called: Charcot-Marie-Tooth Hereditary Neuropathy; Charcot-Marie-Tooth Neuropathy. Identifiers: Orphanet 166, MedGen C0007959, MONDO:0015626.
Charcot-Marie-Tooth disease type 4. Also called: Charcot-Marie-Tooth disease, type IV; Charcot-Marie-Tooth, Type 4. Identifiers: Orphanet 64749, MedGen C4082197, MONDO:0018995.
Charcot-Marie-Tooth disease type 4C (CMT4C). Also called: CHARCOT-MARIE-TOOTH DISEASE, DEMYELINATING, TYPE 4C; CHARCOT-MARIE-TOOTH DISEASE, DEMYELINATING, AUTOSOMAL RECESSIVE, TYPE 4C; SH3TC2-Related Hereditary Motor and Sensory Neuropathy; Charcot-Marie-Tooth Neuropathy Type 4C (CMT4C); CMT 4C. Identifiers: Orphanet 99949, MedGen C1866636, MONDO:0011113, OMIM 601596.
Susceptibility to mononeuropathy of the median nerve, mild. Also called: CARPAL TUNNEL SYNDROME, SUSCEPTIBILITY TO. Identifiers: MedGen C3150596, MONDO:0013237, OMIM 613353.

Allele frequency attached by ClinVar (database versions not stated): gnomAD exomes 0.00016 and 0.00041; ExAC 0.00044; 1000 Genomes Project 30x 0.00125; 1000 Genomes Project 0.00140; gnomAD 0.00161 and 0.00173; TOPMed 0.00189; ESP Exome Variant Server 0.00208.
gnomAD v4.1: 498 of 1,613,882 alleles (0.031%); highest among the groups gnomAD compares: African/African-American, 0.52%; no homozygotes.

Submissions (12):

CeGaT Center for Human Genetics Tuebingen
Classification: Likely benign. Last evaluated: 2026-09-01. Review status: criteria provided, single submitter. Criteria: CeGaT Center For Human Genetics Tuebingen Variant Classification Criteria Version 2. Collection method: clinical testing. Allele origin: germline. Affected: yes. Observed: 4 variant alleles.
Comment: SH3TC2: BP4

Labcorp Genetics (formerly Invitae), Labcorp
Classification: Likely benign for Charcot-Marie-Tooth disease type 4. Last evaluated: 2026-01-28. Review status: criteria provided, single submitter. Criteria: Invitae Variant Classification Sherloc (09022015). Collection method: clinical testing. Allele origin: germline.

Greenwood Genetic Center Diagnostic Laboratories, Greenwood Genetic Center
Classification: Uncertain significance. Last evaluated: 2025-12-16. Review status: criteria provided, single submitter. Criteria: ACMG Guidelines, 2015. Collection method: clinical testing. Allele origin: germline. Affected: yes.
Comment: BS1

Mayo Clinic Laboratories, Mayo Clinic
Classification: Uncertain significance. Last evaluated: 2024-07-02. Review status: criteria provided, single submitter. Criteria: ACMG Guidelines, 2015. Collection method: clinical testing. Allele origin: germline. Observed: 1 variant allele.
Comment: the same text as in the submission from Greenwood Genetic Center Diagnostic Laboratories, Greenwood Genetic Center above.

Ambry Genetics
Classification: Likely benign for Inborn genetic diseases. Last evaluated: 2021-07-26. Review status: criteria provided, single submitter. Criteria: Ambry Variant Classification Scheme 2023. Collection method: clinical testing. Allele origin: germline.

GeneDx
Classification: Uncertain significance. Last evaluated: 2020-02-13. Review status: criteria provided, single submitter. Criteria: GeneDx Variant Classification Process June 2021. Collection method: clinical testing. Allele origin: germline. Affected: yes.
Comment: In silico analysis, which includes protein predictors and evolutionary conservation, supports a deleterious effect; Has not been previously published as pathogenic or benign to our knowledge; This variant is associated with the following publications: (PMID: 32376792)

Illumina Laboratory Services, Illumina
Classification: Likely benign for Susceptibility to mononeuropathy of the median nerve, mild. Last evaluated: 2018-01-12. Review status: criteria provided, single submitter. Criteria: ICSL Variant Classification Criteria 13 December 2019. Collection method: clinical testing. Allele origin: germline.
Comment: This variant was observed in the ICSL laboratory as part of a predisposition screen in an ostensibly healthy population. It had not been previously curated by ICSL or reported in the Human Gene Mutation Database (HGMD: prior to June 1st, 2018), and was therefore a candidate for classification through an automated scoring system. Utilizing variant allele frequency, disease prevalence and penetrance estimates, and inheritance mode, an automated score was calculated to assess if this variant is too frequent to cause the disease. Based on the score and internal cut-off values, a variant classified as likely benign is not then subjected to further curation. The score for this variant resulted in a classification of likely benign for this disease.

Illumina Laboratory Services, Illumina
Classification: Likely benign for Charcot-Marie-Tooth disease type 4C. Last evaluated: 2018-01-12. Review status: criteria provided, single submitter. Criteria: ICSL Variant Classification Criteria 13 December 2019. Collection method: clinical testing. Allele origin: germline.
Comment: the same text as in the submission from Illumina Laboratory Services, Illumina above.

Athena Diagnostics
Classification: Likely benign. Last evaluated: 2017-03-29. Review status: criteria provided, single submitter. Criteria: Athena Diagnostics Criteria. Collection method: clinical testing. Allele origin: germline.

Eurofins Ntd Llc (ga)
Classification: Uncertain significance. Last evaluated: 2014-12-05. Review status: criteria provided, single submitter. Criteria: EGL Classification Definitions 2015. Collection method: clinical testing. Allele origin: germline. Observed: 1 variant allele, 1 heterozygote.

Molecular Genetics Laboratory, London Health Sciences Centre
Classification: Uncertain significance for Charcot-Marie-Tooth disease. Review status: criteria provided, single submitter. Criteria: ACMG Guidelines, 2015. Collection method: clinical testing. Allele origin: germline. Affected: yes.

PreventionGenetics, part of Exact Sciences
Classification: Likely benign for SH3TC2-related condition. Last evaluated: 2020-05-26. Review status: no assertion criteria provided. Collection method: clinical testing. Allele origin: germline. Not counted in ClinVar's aggregate classification.
Comment: This variant is classified as likely benign based on ACMG/AMP sequence variant interpretation guidelines (Richards et al. 2015 PMID: 25741868, with internal and published modifications).

Literature cited by the submitters: PubMed 25614874 (cited by Mayo Clinic Laboratories, Mayo Clinic and Ambry Genetics); PubMed 32376792 (cited by Mayo Clinic Laboratories, Mayo Clinic); PubMed 28518168 (cited by Ambry Genetics); PubMed 32461654 (cited by Ambry Genetics).